The following is an entry in ClinVar:

NM_000051.4(ATM):c.-2C>A

Gene: ATM (ATM serine/threonine kinase; plus strand). Cytogenetic location: 11q22.3.
Variant type: single nucleotide variant.
Coding change: c.-2C>A on transcript NM_000051.4 (MANE Select); 2 bases upstream of the start codon, C replaced by A.
Molecular consequence: 5 prime UTR variant.
Genome position (GRCh38, 1-based): chr11:108,227,623, C>A. VCF-style: chr11-108227623-C-A. GRCh37 (hg19) VCF-style: chr11-108098350-C-A.
Other names: c.-2C>A (NM_001351834.2, NM_001351835.2, NM_001351836.2).
Identifiers: ClinVar variation 3801709 (VCV003801709.1).

ClinVar aggregate classification (germline): Uncertain significance (1 of 4 stars; one submission).

Conditions:
Hereditary cancer-predisposing syndrome. Also called: Neoplastic Syndromes, Hereditary; Hereditary Cancer Syndrome; Tumor predisposition; Hereditary neoplastic syndrome. Identifiers: Orphanet 140162, MedGen C0027672, MeSH D009386, MONDO:0015356.

Submission:

Ambry Genetics
Classification: Uncertain significance for Hereditary cancer-predisposing syndrome. Last evaluated: 2025-01-16. Review status: criteria provided, single submitter. Criteria: Ambry Variant Classification Scheme 2023. Collection method: clinical testing. Allele origin: germline.
Comment: The c.-2C>A variant is located in the 5' untranslated region (5&rsquo; UTR) of the ATM gene. This variant results from a C to A substitution 2 bases upstream from the first translated codon. This nucleotide position is not well conserved in available vertebrate species. Based on the available evidence, the clinical significance of this variant remains unclear.